The following is an entry in ClinVar:

NM_001367823.1(ARHGEF18):c.408dup (p.Ala137fs)

Gene: ARHGEF18 (Rho/Rac guanine nucleotide exchange factor 18; plus strand). Cytogenetic location: 19p13.2.
Variant type: Duplication.
Coding change: c.408dup on transcript NM_001367823.1 (MANE Select); coding-DNA position 408, one base duplicated (C; older notation c.408dupC).
Protein change: p.Ala137fs; shifts the reading frame from alanine 137.
Molecular consequence: frameshift variant.
Genome position (GRCh38, 1-based): chr19:7,375,852, C duplicated; the last of 5 consecutive C bases (chr19:7,375,848-7,375,852); duplicating any one gives the same sequence. VCF-style (leftmost placement, unchanged base first): chr19-7375847-A-AC. GRCh37 (hg19) VCF-style: chr19-7440733-A-AC.
Other names: short protein forms A137fs.
Identifiers: ClinVar variation 4880650 (VCV004880650.2).
Genomic context (GRCh38, chr19:7,375,847, plus strand): 5'-TTGAACCTGCCAGGAGGAGGGCTGAAGACCTGGACTCAAGGGTGTCTCTCTGGGGGCGGG[A>AC]CCCCCGCAGAGAGCCCAGGCAAGGTGGGTATAACCTGCAGCCACCCCTGACAATAGCACA-3'

ClinVar aggregate classification (germline): Likely pathogenic (1 of 4 stars; one submission).

Submission:

Dasa
Classification: Likely pathogenic. Last evaluated: 2025-07-08. Review status: criteria provided, single submitter. Criteria: DASA Assertion Criteria. Collection method: clinical testing. Allele origin: germline.
Comment: NM_001367823.1(ARHGEF18):c.408dup (p.Ala137Argfs*9) is a frameshift variant in ARHGEF18 predicted to alter the reading frame and introduce a premature termination codon and is predicted to result in an absent or altered protein product. Loss of function is an established disease mechanism for ARHGEF18-associated disorders. Also, this variant is rare in population databases. Based on the currently available evidence, this variant is classified as likely pathogenic.